The following is an entry in ClinVar:

NM_001365951.3(KIF1B):c.3650G>T (p.Arg1217Leu)

Gene: KIF1B (kinesin family member 1B; plus strand). Cytogenetic location: 1p36.22.
Variant type: single nucleotide variant.
Coding change: c.3650G>T on transcript NM_001365951.3 (MANE Select); coding-DNA position 3650, G replaced by T.
Protein change: p.Arg1217Leu; replaces arginine 1217 with leucine.
Molecular consequence: missense variant.
Genome position (GRCh38, 1-based): chr1:10,343,249, G>T. VCF-style: chr1-10343249-G-T. GRCh37 (hg19) VCF-style: chr1-10403307-G-T.
Other names: c.3650G>T, p.Arg1217Leu (NM_001365952.1); c.3512G>T, p.Arg1171Leu (NM_015074.3); short protein forms R1171L, R1217L.
Identifiers: ClinVar variation 5023170 (VCV005023170.1).

ClinVar aggregate classification (germline): Uncertain significance (1 of 4 stars; one submission).

Submission:

Ambry Genetics
Classification: Uncertain significance. Last evaluated: 2026-06-19. Review status: criteria provided, single submitter. Criteria: Ambry Variant Classification Scheme 2023. Collection method: clinical testing. Allele origin: germline.
Comment: The p.R1171L variant (also known as c.3512G>T), located in coding exon 31 of the KIF1B gene, results from a G to T substitution at nucleotide position 3512. The arginine at codon 1171 is replaced by leucine, an amino acid with dissimilar properties. This amino acid position is conserved. In addition, the in silico prediction for this alteration is inconclusive. Based on the available evidence, the clinical significance of this variant remains unclear.